The following is an entry in ClinVar:

ClinVar aggregate classification (germline): Uncertain significance (1 of 4 stars; one submission).

Conditions:
Predisposition to invasive fungal disease due to CARD9 deficiency (IMD103). Also called: Candidiasis, familial, 2, autosomal recessive; IMMUNODEFICIENCY 103, SUSCEPTIBILITY TO FUNGAL INFECTIONS; CARD9 IMMUNODEFICIENCY. Identifiers: Orphanet 457088, MedGen C1859353, MONDO:0008905, OMIM 212050.

Allele frequency attached by ClinVar (database versions not stated): gnomAD exomes 0.00001; TOPMed 0.00001.
gnomAD v4.1: 11 of 1,612,596 alleles (0.00068%); highest among the groups gnomAD compares: Middle Eastern, 0.017%; no homozygotes.

Submission:

Labcorp Genetics (formerly Invitae), Labcorp
Classification: Uncertain significance for Predisposition to invasive fungal disease due to CARD9 deficiency. Last evaluated: 2024-02-24. Review status: criteria provided, single submitter. Criteria: Invitae Variant Classification Sherloc (09022015). Collection method: clinical testing. Allele origin: germline.
Comment: This sequence change replaces serine, which is neutral and polar, with leucine, which is neutral and non-polar, at codon 2 of the CARD9 protein (p.Ser2Leu). This variant is not present in population databases (gnomAD no frequency). This variant has not been reported in the literature in individuals affected with CARD9-related conditions. ClinVar contains an entry for this variant (Variation ID: 1982474). An algorithm developed to predict the effect of missense changes on protein structure and function (PolyPhen-2) suggests that this variant is likely to be tolerated. In summary, the available evidence is currently insufficient to determine the role of this variant in disease. Therefore, it has been classified as a Variant of Uncertain Significance.

NM_052813.5(CARD9):c.5C>T (p.Ser2Leu)

Gene: CARD9 (caspase recruitment domain family member 9; minus strand). Cytogenetic location: 9q34.3.
Variant type: single nucleotide variant.
Coding change: c.5C>T on transcript NM_052813.5 (MANE Select); coding-DNA position 5, C replaced by T.
Protein change: p.Ser2Leu; replaces serine 2 with leucine.
Molecular consequence: missense variant.
Genome position (GRCh38, 1-based): chr9:136,372,074, G>A on the plus strand (C>T on the coding strand, the complement: CARD9 is on the minus strand). VCF-style: chr9-136372074-G-A. GRCh37 (hg19) VCF-style: chr9-139266526-G-A.
Other names: c.5C>T, p.Ser2Leu (NM_052814.4); short protein forms S2L.
Identifiers: ClinVar variation 1982474 (VCV001982474.4), dbSNP rs995161906, ClinGen allele CA201615901.